The following is an entry in ClinVar:

NM_004465.2(FGF10):c.16C>A (p.Leu6Met)

Gene: FGF10 (fibroblast growth factor 10; minus strand). Cytogenetic location: 5p12.
Variant type: single nucleotide variant.
Coding change: c.16C>A on transcript NM_004465.2 (MANE Select); coding-DNA position 16, C replaced by A.
Protein change: p.Leu6Met; replaces leucine 6 with methionine.
Molecular consequence: missense variant.
Genome position (GRCh38, 1-based): chr5:44,388,667, G>T on the plus strand (C>A on the coding strand, the complement: FGF10 is on the minus strand). VCF-style: chr5-44388667-G-T. GRCh37 (hg19) VCF-style: chr5-44388769-G-T.
Other names: short protein forms L6M.
Identifiers: ClinVar variation 2629658 (VCV002629658.1), dbSNP rs747476439, ClinGen allele CA359699841.

ClinVar aggregate classification (germline): Uncertain significance (1 of 4 stars; one submission).

Conditions:
FGF10-related disorder. Also called: FGF10-related condition.

Allele frequency attached by ClinVar (database versions not stated): TOPMed below 0.00001.

Submission:

PreventionGenetics, part of Exact Sciences
Classification: Uncertain significance for FGF10-related condition. Last evaluated: 2022-12-14. Review status: criteria provided, single submitter. Criteria: ACMG Guidelines, 2015. Collection method: clinical testing. Allele origin: germline.
Comment: The FGF10 c.16C>A variant is predicted to result in the amino acid substitution p.Leu6Met. To our knowledge, this variant has not been reported in the literature or in a large population database, indicating this variant is rare. At this time, the clinical significance of this variant is uncertain due to the absence of conclusive functional and genetic evidence.